The following is an entry in ClinVar:

NM_000245.4(MET):c.1838C>T (p.Thr613Ile)

Gene: MET (MET proto-oncogene, receptor tyrosine kinase; plus strand). Cytogenetic location: 7q31.2.
Variant type: single nucleotide variant.
Coding change: c.1838C>T on transcript NM_000245.4 (MANE Select); coding-DNA position 1838, C replaced by T.
Protein change: p.Thr613Ile; replaces threonine 613 with isoleucine.
Molecular consequence: missense variant.
Genome position (GRCh38, 1-based): chr7:116,755,491, C>T. VCF-style: chr7-116755491-C-T. GRCh37 (hg19) VCF-style: chr7-116395545-C-T.
Other names: c.1838C>T, p.Thr613Ile (NM_001127500.3, NM_001324401.3); c.548C>T, p.Thr183Ile (NM_001324402.2); short protein forms T183I, T613I.
Identifiers: ClinVar variation 2692120 (VCV002692120.3), dbSNP rs1258088041, ClinGen allele CA368978242.

ClinVar aggregate classification (germline): Uncertain significance. Review status: criteria provided, multiple submitters, no conflicts (2 of 4 stars). 2 submissions from 2 submitters: Uncertain significance (2). Last evaluated 2025-07-05.

Conditions:
Renal cell carcinoma. Identifiers: Orphanet 217071, MedGen C0007134, MeSH D002292, MONDO:0005086, HP:0005584.

Submissions (2):

Labcorp Genetics (formerly Invitae), Labcorp
Classification: Uncertain significance for Renal cell carcinoma. Last evaluated: 2025-07-05. Review status: criteria provided, single submitter. Criteria: Invitae Variant Classification Sherloc (09022015). Collection method: clinical testing. Allele origin: germline.
Comment: This sequence change replaces threonine, which is neutral and polar, with isoleucine, which is neutral and non-polar, at codon 613 of the MET protein (p.Thr613Ile). This variant is not present in population databases (gnomAD no frequency). This variant has not been reported in the literature in individuals affected with MET-related conditions. ClinVar contains an entry for this variant (Variation ID: 2692120). Invitae Evidence Modeling of protein sequence and biophysical properties (such as structural, functional, and spatial information, amino acid conservation, physicochemical variation, residue mobility, and thermodynamic stability) indicates that this missense variant is not expected to disrupt MET protein function with a negative predictive value of 80%. In summary, the available evidence is currently insufficient to determine the role of this variant in disease. Therefore, it has been classified as a Variant of Uncertain Significance.

Center for Genomic Medicine, Rigshospitalet, Copenhagen University Hospital
Classification: Uncertain significance. Last evaluated: 2025-03-04. Review status: criteria provided, single submitter. Criteria: ACMG Guidelines, 2015. Collection method: clinical testing. Allele origin: germline.